The following is an entry in ClinVar:

ClinVar aggregate classification (germline): Conflicting classifications of pathogenicity. Review status: criteria provided, conflicting classifications (1 of 4 stars). 3 submissions from 3 submitters: Uncertain significance (1); Benign (1); Likely benign (1). Last evaluated 2025-12-16.

Conditions:
Emery-Dreifuss muscular dystrophy 5, autosomal dominant (EDMD5). Also called: EMERY-DREIFUSS MUSCULAR DYSTROPHY 5. Identifiers: Orphanet 261, MedGen C2751805, MONDO:0013072, OMIM 612999.

Allele frequency attached by ClinVar (database versions not stated): gnomAD exomes 0.00016 and 0.00008; TOPMed 0.00001; gnomAD 0.00004 and below 0.00001; ExAC 0.00022.
gnomAD v4.1: 126 of 1,614,054 alleles (0.0078%); highest among the groups gnomAD compares: South Asian, 0.13%; 2 homozygotes.

Submissions (3):

Ambry Genetics
Classification: Uncertain significance. Last evaluated: 2025-12-16. Review status: criteria provided, single submitter. Criteria: Ambry Variant Classification Scheme 2023. Collection method: clinical testing. Allele origin: germline.

Labcorp Genetics (formerly Invitae), Labcorp
Classification: Likely benign for Emery-Dreifuss muscular dystrophy 5, autosomal dominant. Last evaluated: 2023-05-31. Review status: criteria provided, single submitter. Criteria: Invitae Variant Classification Sherloc (09022015). Collection method: clinical testing. Allele origin: germline.

Illumina Laboratory Services, Illumina
Classification: Benign for Emery-Dreifuss muscular dystrophy 5, autosomal dominant. Last evaluated: 2018-01-13. Review status: criteria provided, single submitter. Criteria: ICSL Variant Classification Criteria 13 December 2019. Collection method: clinical testing. Allele origin: germline.
Comment: This variant was observed in the ICSL laboratory as part of a predisposition screen in an ostensibly healthy population. It had not been previously curated by ICSL or reported in the Human Gene Mutation Database (HGMD: prior to June 1st, 2018), and was therefore a candidate for classification through an automated scoring system. Utilizing variant allele frequency, disease prevalence and penetrance estimates, and inheritance mode, an automated score was calculated to assess if this variant is too frequent to cause the disease. Based on the score and internal cut-off values, a variant classified as benign is not then subjected to further curation. The score for this variant resulted in a classification of benign for this disease.

NM_182914.3(SYNE2):c.7010G>A (p.Cys2337Tyr)

Gene: SYNE2 (spectrin repeat containing nuclear envelope protein 2; plus strand). Cytogenetic location: 14q23.2.
Variant type: single nucleotide variant.
Coding change: c.7010G>A on transcript NM_182914.3 (MANE Select); coding-DNA position 7010, G replaced by A.
Protein change: p.Cys2337Tyr; replaces cysteine 2337 with tyrosine.
Molecular consequence: missense variant.
Genome position (GRCh38, 1-based): chr14:64,031,146, G>A. VCF-style: chr14-64031146-G-A. GRCh37 (hg19) VCF-style: chr14-64497864-G-A.
Other names: c.7010G>A, p.Cys2337Tyr (NM_015180.6); short protein forms C2337Y.
Identifiers: ClinVar variation 313530 (VCV000313530.13), dbSNP rs762996751, ClinGen allele CA7220837.